The following is an entry in ClinVar:

NM_152393.4(KLHL40):c.412C>T (p.Arg138Cys)

Gene: KLHL40 (kelch like family member 40; plus strand). Cytogenetic location: 3p22.1.
Variant type: single nucleotide variant.
Coding change: c.412C>T on transcript NM_152393.4 (MANE Select); coding-DNA position 412, C replaced by T.
Protein change: p.Arg138Cys; replaces arginine 138 with cysteine.
Molecular consequence: missense variant.
Genome position (GRCh38, 1-based): chr3:42,686,030, C>T. VCF-style: chr3-42686030-C-T. GRCh37 (hg19) VCF-style: chr3-42727522-C-T.
Other names: p.Arg138Cys; short protein forms R138C.
Identifiers: ClinVar variation 1492166 (VCV001492166.10), dbSNP rs752541165, ClinGen allele CA352289341.
Genomic context (GRCh38, chr3:42,686,030, plus strand): 5'-ACCATCTGCGTGTCCTTCCTGCAGAAGCGCCTGTGCCTCTCCAACTGCTTGGCCGTCTTC[C>T]GTCTCGGCCTCCTGCTCGACTGCGCGCGTCTCGCCGTGGCTGCCCGCGACTTCATCTGCG-3'
Protein context (NP_689606.2, residues 128-148): LCLSNCLAVF[Arg138Cys]LGLLLDCARL

ClinVar aggregate classification (germline): Uncertain significance. Review status: criteria provided, multiple submitters, no conflicts (2 of 4 stars). 3 submissions from 3 submitters: Uncertain significance (3). Last evaluated 2024-01-08.

Conditions:
Nemaline myopathy 8 (NEM8). Also called: Nemaline myopathy 8, autosomal recessive. Identifiers: Orphanet 171430, MedGen C3809209, MONDO:0014138, OMIM 615348.

gnomAD v4.1: 18 of 1,609,080 alleles (0.0011%); highest among the groups gnomAD compares: Non-Finnish European, 0.0015%; no homozygotes.

Submissions (3):

GeneDx
Classification: Uncertain significance. Last evaluated: 2024-01-08. Review status: criteria provided, single submitter. Criteria: GeneDx Variant Classification Process June 2021. Collection method: clinical testing. Allele origin: germline. Affected: yes.
Comment: Not observed at significant frequency in large population cohorts (gnomAD); In silico analysis supports that this missense variant has a deleterious effect on protein structure/function; Has not been previously published as pathogenic or benign to our knowledge

Labcorp Genetics (formerly Invitae), Labcorp
Classification: Uncertain significance for Nemaline myopathy 8. Last evaluated: 2022-08-09. Review status: criteria provided, single submitter. Criteria: Invitae Variant Classification Sherloc (09022015). Collection method: clinical testing. Allele origin: germline.
Comment: This sequence change replaces arginine, which is basic and polar, with cysteine, which is neutral and slightly polar, at codon 138 of the KLHL40 protein (p.Arg138Cys). This variant is present in population databases (no rsID available, gnomAD 0.002%). This variant has not been reported in the literature in individuals affected with KLHL40-related conditions. ClinVar contains an entry for this variant (Variation ID: 1492166). Algorithms developed to predict the effect of missense changes on protein structure and function (SIFT, PolyPhen-2, Align-GVGD) all suggest that this variant is likely to be disruptive. In summary, the available evidence is currently insufficient to determine the role of this variant in disease. Therefore, it has been classified as a Variant of Uncertain Significance.

Mayo Clinic Laboratories, Mayo Clinic
Classification: Uncertain significance. Last evaluated: 2021-04-13. Review status: criteria provided, single submitter. Criteria: ACMG Guidelines, 2015. Collection method: clinical testing. Allele origin: germline.